The following is an entry in ClinVar:

ClinVar aggregate classification (germline): Likely benign (1 of 4 stars; one submission).

Submission:

CeGaT Center for Human Genetics Tuebingen
Classification: Likely benign. Last evaluated: 2026-07-01. Review status: criteria provided, single submitter. Criteria: CeGaT Center For Human Genetics Tuebingen Variant Classification Criteria Version 2. Collection method: clinical testing. Allele origin: germline. Affected: yes. Observed: 1 variant allele.
Comment: H3-3B: BP4, BP7

NM_005324.5(H3-3B):c.310C>T (p.Leu104=)

Gene: H3-3B (H3.3 histone B; minus strand). Cytogenetic location: 17q25.1.
Variant type: single nucleotide variant.
Coding change: c.310C>T on transcript NM_005324.5 (MANE Select); coding-DNA position 310, C replaced by T.
Protein change: p.Leu104=; no amino-acid change (leucine 104 retained).
Molecular consequence: synonymous variant.
Genome position (GRCh38, 1-based): chr17:75,778,696, G>A on the plus strand (C>T on the coding strand, the complement: H3-3B is on the minus strand). VCF-style: chr17-75778696-G-A. GRCh37 (hg19) VCF-style: chr17-73774777-G-A.
Identifiers: ClinVar variation 5038693 (VCV005038693.1).